The following is an entry in ClinVar:

NM_176824.3(BBS7):c.2074A>G (p.Lys692Glu)

Gene: BBS7 (Bardet-Biedl syndrome 7; minus strand). Cytogenetic location: 4q27.
Variant type: single nucleotide variant.
Coding change: c.2074A>G on transcript NM_176824.3 (MANE Select); coding-DNA position 2074, A replaced by G.
Protein change: p.Lys692Glu; replaces lysine 692 with glutamic acid.
Molecular consequence: missense variant.
Genome position (GRCh38, 1-based): chr4:121,825,934, T>C on the plus strand (A>G on the coding strand, the complement: BBS7 is on the minus strand). VCF-style: chr4-121825934-T-C. GRCh37 (hg19) VCF-style: chr4-122747089-T-C.
Other names: short protein forms K692E.
Identifiers: ClinVar variation 1514844 (VCV001514844.9), dbSNP rs1724883700, ClinGen allele CA358053593.

ClinVar aggregate classification (germline): Uncertain significance. Review status: criteria provided, multiple submitters, no conflicts (2 of 4 stars). 2 submissions from 2 submitters: Uncertain significance (2). Last evaluated 2022-06-27.

Conditions:
Bardet-Biedl syndrome (BBS). Identifiers: Orphanet 110, MedGen C0752166, MONDO:0015229.

Allele frequency attached by ClinVar (database versions not stated): gnomAD exomes below 0.00001.
gnomAD v4.1: 2 of 1,611,038 alleles (0.00012%); highest among the groups gnomAD compares: Non-Finnish European, 0.00017%; no homozygotes.

Submissions (2):

Labcorp Genetics (formerly Invitae), Labcorp
Classification: Uncertain significance for Bardet-Biedl syndrome. Last evaluated: 2022-06-27. Review status: criteria provided, single submitter. Criteria: Invitae Variant Classification Sherloc (09022015). Collection method: clinical testing. Allele origin: germline.
Comment: This variant is not present in population databases (gnomAD no frequency). In summary, the available evidence is currently insufficient to determine the role of this variant in disease. Therefore, it has been classified as a Variant of Uncertain Significance. Algorithms developed to predict the effect of missense changes on protein structure and function are either unavailable or do not agree on the potential impact of this missense change (SIFT: "Deleterious"; PolyPhen-2: "Benign"; Align-GVGD: "Class C15"). This variant has not been reported in the literature in individuals affected with BBS7-related conditions. This sequence change replaces lysine, which is basic and polar, with glutamic acid, which is acidic and polar, at codon 692 of the BBS7 protein (p.Lys692Glu).

Blueprint Genetics
Classification: Uncertain significance. Last evaluated: 2021-11-26. Review status: criteria provided, single submitter. Criteria: ACMG Guidelines, 2015. Collection method: clinical testing. Allele origin: germline.